The following is an entry in ClinVar:

NM_144997.7(FLCN):c.1160C>T (p.Ala387Val)

Gene: FLCN (folliculin; minus strand). Cytogenetic location: 17p11.2.
Variant type: single nucleotide variant.
Coding change: c.1160C>T on transcript NM_144997.7 (MANE Select); coding-DNA position 1160, C replaced by T.
Protein change: p.Ala387Val; replaces alanine 387 with valine.
Molecular consequence: missense variant.
Genome position (GRCh38, 1-based): chr17:17,217,085, G>A on the plus strand (C>T on the coding strand, the complement: FLCN is on the minus strand). VCF-style: chr17-17217085-G-A. GRCh37 (hg19) VCF-style: chr17-17120399-G-A.
Other names: c.1160C>T (LRG_325t1); c.1214C>T, p.Ala405Val (NM_001353229.2); c.1160C>T, p.Ala387Val (NM_001353230.2, NM_001353231.2); short protein forms A387V, A405V.
Identifiers: ClinVar variation 460584 (VCV000460584.13), dbSNP rs1431737113, ClinGen allele CA398532150.

ClinVar aggregate classification (germline): Conflicting classifications of pathogenicity. Review status: criteria provided, conflicting classifications (1 of 4 stars). 4 submissions from 4 submitters: Uncertain significance (3); Likely benign (1). Last evaluated 2025-10-13.

Conditions:
Colorectal cancer. Also called: Colorectal cancer, somatic; Malignant Colorectal Neoplasm. Identifiers: MedGen C0346629, MONDO:0005575, OMIM 114500.
Nonpapillary renal cell carcinoma. Identifiers: Orphanet 422526, MedGen CN074294, MONDO:0007763, OMIM 144700.
Familial spontaneous pneumothorax (PSP). Identifiers: Orphanet 2903, MedGen C1868193, MONDO:0008259, OMIM 173600.
Birt-Hogg-Dube syndrome 1 (BHD1). Also called: FIBROFOLLICULOMAS WITH TRICHODISCOMAS AND ACROCHORDONS. Identifiers: Orphanet 122, MedGen CN375946, MONDO:0800445, OMIM 135150.
Hereditary cancer-predisposing syndrome. Also called: Hereditary neoplastic syndrome; Neoplastic Syndromes, Hereditary; Tumor predisposition; Hereditary Cancer Syndrome. Identifiers: Orphanet 140162, MedGen C0027672, MeSH D009386, MONDO:0015356.
Birt-Hogg-Dube syndrome. Also called: Birt Hogg Dubé syndrome. Identifiers: Orphanet 122, MedGen C0346010, MONDO:0800444.

Allele frequency attached by ClinVar (database versions not stated): TOPMed below 0.00001; gnomAD 0.00001; gnomAD exomes 0.00001.
gnomAD v4.1: 13 of 1,612,654 alleles (0.00081%); highest among the groups gnomAD compares: Admixed American, 0.0033%; no homozygotes.

Submissions (4):

Labcorp Genetics (formerly Invitae), Labcorp
Classification: Uncertain significance for Birt-Hogg-Dube syndrome. Last evaluated: 2025-10-13. Review status: criteria provided, single submitter. Criteria: Invitae Variant Classification Sherloc (09022015). Collection method: clinical testing. Allele origin: germline.
Comment: This sequence change replaces alanine, which is neutral and non-polar, with valine, which is neutral and non-polar, at codon 387 of the FLCN protein (p.Ala387Val). This variant is present in population databases (no rsID available, gnomAD 0.006%). This variant has not been reported in the literature in individuals affected with FLCN-related conditions. ClinVar contains an entry for this variant (Variation ID: 460584). Invitae Evidence Modeling of protein sequence and biophysical properties (such as structural, functional, and spatial information, amino acid conservation, physicochemical variation, residue mobility, and thermodynamic stability) indicates that this missense variant is not expected to disrupt FLCN protein function with a negative predictive value of 80%. In summary, the available evidence is currently insufficient to determine the role of this variant in disease. Therefore, it has been classified as a Variant of Uncertain Significance.

Fulgent Genetics
Classification: Uncertain significance for Colorectal cancer; Birt-Hogg-Dube syndrome 1; Nonpapillary renal cell carcinoma; Familial spontaneous pneumothorax. Last evaluated: 2024-03-29. Review status: criteria provided, single submitter. Criteria: ACMG Guidelines, 2015. Collection method: clinical testing. Allele origin: germline.

Ambry Genetics
Classification: Likely benign for Hereditary cancer-predisposing syndrome. Last evaluated: 2023-03-31. Review status: criteria provided, single submitter. Criteria: Ambry Variant Classification Scheme 2023. Collection method: clinical testing. Allele origin: germline.

Sema4
Classification: Uncertain significance for Hereditary cancer-predisposing syndrome. Last evaluated: 2021-09-30. Review status: criteria provided, single submitter. Criteria: Sema4 Curation Guidelines. Collection method: curation. Allele origin: germline.
Comment: The FLCN c.1160C>T (p.A387V) variant has not been reported in the literature to our knowledge. It was observed in 2/34554 chromosomes of the Latino subpopulation in the Genome Aggregation Database (PMID: 32461654). The variant has been reported in ClinVar (Variation ID: 460584). Functional studies have not been performed, and in silico predictions of the variant's effect on protein function are inconclusive. The evidence is insufficient to meet ACMG/AMP criteria for classifying the variant as benign or pathogenic. Thus, the clinical significance of this variant is currently uncertain.